The following is an entry in ClinVar:

NC_000012.12:g.121641288C>T

Gene: ORAI1 (ORAI calcium release-activated calcium modulator 1; plus strand). Cytogenetic location: 12q24.31.
Variant type: single nucleotide variant.
Genome position: GRCh38 VCF-style: chr12-121641288-C-T. GRCh37 (hg19) VCF-style: chr12-122079194-C-T.
Other names: c.551C>T, p.Thr184Met (NM_032790.4); short protein forms T184M.
Identifiers: ClinVar variation 2419025 (VCV002419025.9), dbSNP rs1555324111, ClinGen allele CA386983559.

ClinVar aggregate classification (germline): Uncertain significance (1 of 4 stars; one submission).

Conditions:
Myopathy, tubular aggregate, 2 (TAM2). Identifiers: MedGen C4014557, MONDO:0014383, OMIM 615883.
Combined immunodeficiency due to ORAI1 deficiency. Also called: IMMUNODEFICIENCY 9. Identifiers: Orphanet 169090, Orphanet 317428, MedGen C2748568, MONDO:0013007, OMIM 612782.

Allele frequency attached by ClinVar (database versions not stated): gnomAD exomes below 0.00001.

Submission:

Labcorp Genetics (formerly Invitae), Labcorp
Classification: Uncertain significance for Myopathy, tubular aggregate, 2; Combined immunodeficiency due to ORAI1 deficiency. Last evaluated: 2023-03-17. Review status: criteria provided, single submitter. Criteria: Invitae Variant Classification Sherloc (09022015). Collection method: clinical testing. Allele origin: germline.
Comment: In summary, the available evidence is currently insufficient to determine the role of this variant in disease. Therefore, it has been classified as a Variant of Uncertain Significance. Experimental studies have shown that this missense change affects ORAI1 function (PMID: 28058752, 30243034). Algorithms developed to predict the effect of variants on protein structure and function are not available or were not evaluated for this variant. ClinVar contains an entry for this variant (Variation ID: 2419025). This missense change has been observed in individual(s) with tubular aggregate myopathy (PMID: 28058752). This variant is present in population databases (no rsID available, gnomAD 0.006%). This sequence change replaces threonine, which is neutral and polar, with methionine, which is neutral and non-polar, at codon 184 of the ORAI1 protein (p.Thr184Met).

Literature cited by the submitters: PubMed 28058752; PubMed 30243034.